The following is an entry in ClinVar:

ClinVar aggregate classification (germline): Uncertain significance (1 of 4 stars; one submission).

Conditions:
Facioscapulohumeral muscular dystrophy 2 (FSHD2). Also called: MUSCULAR DYSTROPHY, FACIOSCAPULOHUMERAL, TYPE 1B; FACIOSCAPULOHUMERAL MUSCULAR DYSTROPHY 2, DIGENIC; FSHD2, DIGENIC. Identifiers: Orphanet 269, MedGen C1834671, MONDO:0008031, OMIM 158901.

Submission:

Labcorp Genetics (formerly Invitae), Labcorp
Classification: Uncertain significance for Facioscapulohumeral muscular dystrophy 2. Last evaluated: 2023-01-31. Review status: criteria provided, single submitter. Criteria: Invitae Variant Classification Sherloc (09022015). Collection method: clinical testing. Allele origin: germline.
Comment: This variant has not been reported in the literature in individuals affected with SMCHD1-related conditions. This variant is not present in population databases (gnomAD no frequency). This sequence change replaces phenylalanine, which is neutral and non-polar, with leucine, which is neutral and non-polar, at codon 72 of the SMCHD1 protein (p.Phe72Leu). ClinVar contains an entry for this variant (Variation ID: 1721916). In summary, the available evidence is currently insufficient to determine the role of this variant in disease. Therefore, it has been classified as a Variant of Uncertain Significance. Advanced modeling of protein sequence and biophysical properties (such as structural, functional, and spatial information, amino acid conservation, physicochemical variation, residue mobility, and thermodynamic stability) performed at Invitae indicates that this missense variant is not expected to disrupt SMCHD1 protein function.

NM_015295.3(SMCHD1):c.216T>G (p.Phe72Leu)

Gene: SMCHD1 (structural maintenance of chromosomes flexible hinge domain containing 1; plus strand). Cytogenetic location: 18p11.32.
Variant type: single nucleotide variant.
Coding change: c.216T>G on transcript NM_015295.3 (MANE Select); coding-DNA position 216, T replaced by G.
Protein change: p.Phe72Leu; replaces phenylalanine 72 with leucine.
Molecular consequence: missense variant.
Genome position (GRCh38, 1-based): chr18:2,666,186, T>G. VCF-style: chr18-2666186-T-G. GRCh37 (hg19) VCF-style: chr18-2666185-T-G.
Other names: short protein forms F72L.
Identifiers: ClinVar variation 1721916 (VCV001721916.5), dbSNP rs2510097122, ClinGen allele CA401687311.